The following is an entry in ClinVar:

ClinVar aggregate classification (germline): Uncertain significance (1 of 4 stars; one submission).

Conditions:
Perlman syndrome (PRLMNS). Identifiers: Orphanet 2849, MedGen C0796113, MONDO:0009965, OMIM 267000.

Submission:

Labcorp Genetics (formerly Invitae), Labcorp
Classification: Uncertain significance for Perlman syndrome. Last evaluated: 2022-01-08. Review status: criteria provided, single submitter. Criteria: Invitae Variant Classification Sherloc (09022015). Collection method: clinical testing. Allele origin: germline.
Comment: Algorithms developed to predict the effect of sequence changes on RNA splicing suggest that this variant may create or strengthen a splice site. Experimental studies and prediction algorithms are not available or were not evaluated, and the functional significance of this variant is currently unknown. In summary, the available evidence is currently insufficient to determine the role of this variant in disease. Therefore, it has been classified as a Variant of Uncertain Significance. ClinVar contains an entry for this variant (Variation ID: 650276). This variant, c.2425_2427del, results in the deletion of 1 amino acid(s) of the DIS3L2 protein (p.Lys809del), but otherwise preserves the integrity of the reading frame. This variant is not present in population databases (gnomAD no frequency). This variant has not been reported in the literature in individuals affected with DIS3L2-related conditions.

NM_152383.5(DIS3L2):c.2425_2427del (p.Lys809del)

Gene: DIS3L2 (DIS3 like 3'-5' exoribonuclease 2; plus strand). Cytogenetic location: 2q37.1.
Variant type: Deletion.
Coding change: c.2425_2427del on transcript NM_152383.5 (MANE Select); coding-DNA positions 2425 to 2427, 3 bases deleted (AAG; older notation c.2425_2427delAAG).
Protein change: p.Lys809del; deletes lysine 809.
Molecular consequence: inframe deletion. On other transcripts: non-coding transcript variant (2), intron variant (1).
Genome position (GRCh38, 1-based): chr2:232,335,803-232,335,805, AAG deleted; deleting any 3 consecutive bases within chr2:232,335,801-232,335,805 gives the same sequence; the c. name uses the placement nearest the transcript's 3' end. VCF-style (leftmost placement, unchanged base first): chr2-232335800-CAGA-C. GRCh37 (hg19) VCF-style: chr2-233200510-CAGA-C.
Other names: c.1582-7542_1582-7540del (NM_001257281.2); short protein forms K809del.
Identifiers: ClinVar variation 650276 (VCV000650276.10), dbSNP rs1575029287, ClinGen allele CA915941791.